The following is an entry in ClinVar:

ClinVar aggregate classification (germline): Pathogenic. Review status: criteria provided, multiple submitters, no conflicts (2 of 4 stars). 8 submissions from 8 submitters: Pathogenic (5). 3 of the submissions do not count toward it. Last evaluated 2026-01-29.

Conditions:
Saldino-Mainzer syndrome (SRTD9). Also called: CONORENAL SYNDROME; Renal dysplasia, retinal pigmentary dystrophy, cerebellar ataxia and skeletal dysplasia; short-rib thoracic dysplasia 9 with or without polydactyly; SHORT-RIB THORACIC DYSPLASIA 9 WITHOUT POLYDACTYLY. Identifiers: Orphanet 140969, MedGen C1849437, MONDO:0009964, OMIM 266920.
Retinitis pigmentosa 80 (RP80). Identifiers: MedGen C4540439, MONDO:0054708, OMIM 617781.
IFT140-related disorder. Also called: IFT140-related condition.
IFT140-related disorders.
Jeune thoracic dystrophy. Also called: Jeune syndrome; Infantile thoracic dystrophy; Thoracic pelvic phalangeal dystrophy; Jeune's syndrome; Chondroectodermal dysplasia-like syndrome; Short-rib thoracic dysplasia. Identifiers: Orphanet 474, MedGen C0265275, MONDO:0018770.

Submissions (8):

PreventionGenetics, part of Exact Sciences
Classification: Pathogenic for IFT140-related condition. Last evaluated: 2026-01-29. Review status: criteria provided, single submitter. Criteria: ACMG Guidelines, 2015. Collection method: clinical testing. Allele origin: germline.
Comment: The IFT140 c.3916dupG variant is predicted to result in a frameshift and premature protein termination (p.Ala1306Glyfs*56). This variant has been reported to be causative for autosomal recessive Mainzer-Saldino syndrome (see for example, Perrault et al. 2012. PubMed ID: 22503633) and autosomal dominant polycystic kidney disease (ADPKD) (see for example, Clark et al. 2024. PubMed ID: 39136524). This variant is reported in 0.012% of alleles in individuals of African descent in gnomAD. Frameshift variants in IFT140 are expected to be pathogenic. Since loss-of-function of IFT140 is the disease causing mechanism for both autosomal dominant and recessive IFT140-related disorders, this variant is interpreted as pathogenic for both autosomal dominant and recessive IFT140-related disorders.

Labcorp Genetics (formerly Invitae), Labcorp
Classification: Pathogenic for Saldino-Mainzer syndrome. Last evaluated: 2025-06-06. Review status: criteria provided, single submitter. Criteria: Invitae Variant Classification Sherloc (09022015). Collection method: clinical testing. Allele origin: germline.
Comment: This sequence change creates a premature translational stop signal (p.Ala1306Glyfs*56) in the IFT140 gene. It is expected to result in an absent or disrupted protein product. Loss-of-function variants in IFT140 are known to be pathogenic (PMID: 22503633, 23418020, 24009529, 26216056). This variant is present in population databases (rs775537867, gnomAD 0.008%). This premature translational stop signal has been observed in individual(s) with Mainzer-Saldino syndrome (PMID: 22503633). It has also been observed to segregate with disease in related individuals. ClinVar contains an entry for this variant (Variation ID: 31684). For these reasons, this variant has been classified as Pathogenic.

GeneDx
Classification: Pathogenic. Last evaluated: 2025-05-13. Review status: criteria provided, single submitter. Criteria: GeneDx Variant Classification Process June 2021. Collection method: clinical testing. Allele origin: germline. Affected: yes.
Comment: Frameshift variant predicted to result in protein truncation or nonsense mediated decay in a gene for which loss of function is a known mechanism of disease; Reported as a heterozygous variant associated with polycystic kidney disease, although case-specific clinical details were not provided (PMID: 39136524); This variant is associated with the following publications: (PMID: 28724397, 31964843, 31397098, 37230223, 39136524, 22503633, 29068549)

Fulgent Genetics
Classification: Pathogenic for Saldino-Mainzer syndrome; Retinitis pigmentosa 80. Last evaluated: 2024-05-23. Review status: criteria provided, single submitter. Criteria: ACMG Guidelines, 2015. Collection method: clinical testing. Allele origin: germline.

Blueprint Genetics
Classification: Pathogenic for IFT140-related disorders. Last evaluated: 2021-12-14. Review status: criteria provided, single submitter. Criteria: ACMG Guidelines, 2015. Collection method: clinical testing. Allele origin: germline. Affected: yes. Observed: 3 variant alleles.

Dan Cohn Lab, University Of California Los Angeles
Classification: Pathogenic for Asphyxiating thoracic dystrophy. Last evaluated: 2017-06-01. Review status: no assertion criteria provided. Collection method: research. Allele origin: inherited. Affected: yes. Not counted in ClinVar's aggregate classification.

OMIM
Classification: Pathogenic for SHORT-RIB THORACIC DYSPLASIA 9 WITHOUT POLYDACTYLY. Last evaluated: 2012-05-04. Review status: no assertion criteria provided. Collection method: literature only. Allele origin: germline. Not counted in ClinVar's aggregate classification.

University of Washington Center for Mendelian Genomics, University of Washington
Classification: Likely pathogenic for asphyxiating thoracic dystrophy. Review status: no assertion criteria provided. Collection method: research. Allele origin: inherited. Affected: yes. Not counted in ClinVar's aggregate classification.

Literature cited by the submitters: PubMed 22503633 (cited by Labcorp Genetics (formerly Invitae), Labcorp and OMIM); PubMed 23418020 (cited by Labcorp Genetics (formerly Invitae), Labcorp); PubMed 24009529 (cited by Labcorp Genetics (formerly Invitae), Labcorp); PubMed 26216056 (cited by Labcorp Genetics (formerly Invitae), Labcorp); PubMed 29068549 (cited by Dan Cohn Lab, University Of California Los Angeles and University of Washington Center for Mendelian Genomics, University of Washington).

NM_014714.4(IFT140):c.3916dup (p.Ala1306fs)

Gene: IFT140 (intraflagellar transport 140; minus strand). Cytogenetic location: 16p13.3.
Variant type: Duplication.
Coding change: c.3916dup on transcript NM_014714.4 (MANE Select); coding-DNA position 3916, one base duplicated (G; older notation c.3916dupG).
Protein change: p.Ala1306fs; shifts the reading frame from alanine 1306.
Molecular consequence: frameshift variant.
Genome position (GRCh38, 1-based): chr16:1,520,005, C duplicated on the plus strand (G on the coding strand, the reverse complement: IFT140 is on the minus strand); the first of 4 consecutive C bases (chr16:1,520,005-1,520,008); duplicating any one gives the same sequence. VCF-style (leftmost placement, unchanged base first): chr16-1520004-G-GC. GRCh37 (hg19) VCF-style: chr16-1570005-G-GC.
Other names: c.3916dupG (NM_014714.3); short protein forms A1306fs.
Identifiers: ClinVar variation 31684 (VCV000031684.17), dbSNP rs587776909, ClinGen allele CA129890.